The following is an entry in ClinVar:

ClinVar aggregate classification (germline): Uncertain significance (1 of 4 stars; one submission).

Conditions:
Platelet-type bleeding disorder 20 (BDPLT20). Identifiers: Orphanet 466806, MedGen C4310797, MONDO:0014830, OMIM 616913.

Allele frequency attached by ClinVar (database versions not stated): gnomAD exomes 0.00003 and 0.00014; gnomAD 0.00004 and 0.00006; ExAC 0.00010; TOPMed 0.00013; 1000 Genomes Project 30x 0.00062.
gnomAD v4.1: 60 of 1,551,730 alleles (0.0039%); highest among the groups gnomAD compares: East Asian, 0.059%; no homozygotes.

Submission:

Baylor Genetics
Classification: Uncertain significance for Platelet-type bleeding disorder 20. Last evaluated: 2018-08-10. Review status: criteria provided, single submitter. Criteria: ACMG Guidelines, 2015. Collection method: clinical testing. Allele origin: maternal. Affected: yes.
Comment: This variant was determined to be of uncertain significance according to ACMG Guidelines, 2015 [PMID:25741868].

NM_001129820.2(SLFN14):c.2146C>T (p.Leu716Phe)

Gene: SLFN14 (schlafen family member 14; minus strand). Cytogenetic location: 17q12.
Variant type: single nucleotide variant.
Coding change: c.2146C>T on transcript NM_001129820.2 (MANE Select); coding-DNA position 2146, C replaced by T.
Protein change: p.Leu716Phe; replaces leucine 716 with phenylalanine.
Molecular consequence: missense variant.
Genome position (GRCh38, 1-based): chr17:35,548,832, G>A on the plus strand (C>T on the coding strand, the complement: SLFN14 is on the minus strand). VCF-style: chr17-35548832-G-A. GRCh37 (hg19) VCF-style: chr17-33875851-G-A.
Other names: short protein forms L716F.
Identifiers: ClinVar variation 1033309 (VCV001033309.1), dbSNP rs202215190, ClinGen allele CA8504565.
Genomic context (GRCh38, chr17:35,548,832, plus strand): 5'-GAGCACAGTGGATCCCACTGGTGATTGTTTTTCGAGGAAACTGAGCAGATGGAGGGGGAA[G>A]GCCATTGACATCTGCGTGATGGATTTGAAAAGGGTCAAGAAAAAGCCAGAGAATCCCATG-3'
Protein context (NP_001123292.1, residues 706-726): FQIHHADVNG[Leu716Phe]PPPSAQFPRK